The following is an entry in ClinVar:

ClinVar aggregate classification (germline): Uncertain significance. Review status: criteria provided, multiple submitters, no conflicts (2 of 4 stars). 4 submissions from 4 submitters: Uncertain significance (4). Last evaluated 2025-06-18.

Conditions:
Retinitis pigmentosa 80 (RP80). Identifiers: MedGen C4540439, MONDO:0054708, OMIM 617781.
Saldino-Mainzer syndrome (SRTD9). Also called: CONORENAL SYNDROME; Renal dysplasia, retinal pigmentary dystrophy, cerebellar ataxia and skeletal dysplasia; short-rib thoracic dysplasia 9 with or without polydactyly; SHORT-RIB THORACIC DYSPLASIA 9 WITHOUT POLYDACTYLY. Identifiers: Orphanet 140969, MedGen C1849437, MONDO:0009964, OMIM 266920.
Inborn genetic diseases. Identifiers: MedGen C0950123, MeSH D030342.

Allele frequency attached by ClinVar (database versions not stated): gnomAD exomes 0.00002 and 0.00004; ExAC 0.00003; gnomAD 0.00005 and 0.00006; TOPMed 0.00005.

Submissions (4):

Ambry Genetics
Classification: Uncertain significance for Inborn genetic diseases. Last evaluated: 2025-06-18. Review status: criteria provided, single submitter. Criteria: Ambry Variant Classification Scheme 2023. Collection method: clinical testing. Allele origin: germline.

Labcorp Genetics (formerly Invitae), Labcorp
Classification: Uncertain significance for Saldino-Mainzer syndrome. Last evaluated: 2025-05-30. Review status: criteria provided, single submitter. Criteria: Invitae Variant Classification Sherloc (09022015). Collection method: clinical testing. Allele origin: germline.
Comment: This sequence change replaces proline, which is neutral and non-polar, with serine, which is neutral and polar, at codon 113 of the IFT140 protein (p.Pro113Ser). This variant is present in population databases (rs756324852, gnomAD 0.006%). This missense change has been observed in individual(s) with clinical features of retinitis pigmentosa (internal data). ClinVar contains an entry for this variant (Variation ID: 1010784). Invitae Evidence Modeling of protein sequence and biophysical properties (such as structural, functional, and spatial information, amino acid conservation, physicochemical variation, residue mobility, and thermodynamic stability) indicates that this missense variant is not expected to disrupt IFT140 protein function with a negative predictive value of 95%. In summary, the available evidence is currently insufficient to determine the role of this variant in disease. Therefore, it has been classified as a Variant of Uncertain Significance.

Fulgent Genetics
Classification: Uncertain significance for Saldino-Mainzer syndrome; Retinitis pigmentosa 80. Last evaluated: 2024-05-06. Review status: criteria provided, single submitter. Criteria: ACMG Guidelines, 2015. Collection method: clinical testing. Allele origin: germline.

Blueprint Genetics
Classification: Uncertain significance. Last evaluated: 2023-11-23. Review status: criteria provided, single submitter. Criteria: ACMG Guidelines, 2015. Collection method: clinical testing. Allele origin: germline.

NM_014714.4(IFT140):c.337C>T (p.Pro113Ser)

Genes: IFT140 (intraflagellar transport 140; minus strand), LOC105371046 (uncharacterized LOC105371046; plus strand). Cytogenetic location: 16p13.3.
Variant type: single nucleotide variant.
Coding change: c.337C>T on transcript NM_014714.4 (MANE Select); coding-DNA position 337, C replaced by T.
Protein change: p.Pro113Ser; replaces proline 113 with serine.
Molecular consequence: missense variant.
Genome position (GRCh38, 1-based): chr16:1,602,402, G>A on the plus strand (C>T on the coding strand, the complement: IFT140 is on the minus strand). VCF-style: chr16-1602402-G-A. GRCh37 (hg19) VCF-style: chr16-1652403-G-A.
Other names: c.337C>T (NM_014714.3); short protein forms P113S.
Identifiers: ClinVar variation 1010784 (VCV001010784.10), dbSNP rs756324852, ClinGen allele CA7814744.
Genomic context (GRCh38, chr16:1,602,402, plus strand): 5'-AAACAGCGTCTTGCGCGTGTTGACTCACCCTGTCCCCAGACAGCAGGCAGTTTCCACTGG[G>A]GCTCCAACGGAGCACGGTGATGTCGGCTGTGTGTGTCAGGGGCATCGTGTGCTGCTCCTT-3'
Protein context (NP_055529.2, residues 103-123): TADITVLRWS[Pro113Ser]SGNCLLSGDR